The following is an entry in ClinVar:

NM_002878.4(RAD51D):c.63G>A (p.Arg21=)

Genes: RAD51D (RAD51 paralog D; minus strand), RAD51L3-RFFL (RAD51L3-RFFL readthrough; minus strand). Cytogenetic location: 17q12.
Variant type: single nucleotide variant.
Coding change: c.63G>A on transcript NM_002878.4 (MANE Select); coding-DNA position 63, G replaced by A.
Protein change: p.Arg21=; no amino-acid change (arginine 21 retained).
Molecular consequence: synonymous variant. On other transcripts: non-coding transcript variant (2).
Genome position (GRCh38, 1-based): chr17:35,119,551, C>T on the plus strand (G>A on the coding strand, the complement: RAD51D is on the minus strand). VCF-style: chr17-35119551-C-T. GRCh37 (hg19) VCF-style: chr17-33446570-C-T.
Other names: c.63G>A, p.Arg21= (NM_001142571.2, NM_133629.3).
Identifiers: ClinVar variation 3904033 (VCV003904033.1).

ClinVar aggregate classification (germline): Benign (1 of 4 stars; one submission).

Conditions:
Breast-ovarian cancer, familial, susceptibility to, 4. Identifiers: Orphanet 145, MedGen C3280345, MONDO:0013669, OMIM 614291.

Submission:

Myriad Genetics, Inc.
Classification: Benign for Breast-ovarian cancer, familial, susceptibility to, 4. Last evaluated: 2025-02-20. Review status: criteria provided, single submitter. Criteria: Myriad Autosomal Dominant, Autosomal Recessive and X-Linked Classification Criteria (2023). Collection method: clinical testing. Allele origin: unknown.
Comment: This variant is considered benign. This variant is a silent/synonymous amino acid change and it is not expected to impact splicing.